The following is an entry in ClinVar:

NM_017419.3(ASIC5):c.762C>G (p.Ile254Met)

Gene: ASIC5 (acid sensing ion channel subunit family member 5; minus strand). Cytogenetic location: 4q32.1.
Variant type: single nucleotide variant.
Coding change: c.762C>G on transcript NM_017419.3 (MANE Select); coding-DNA position 762, C replaced by G.
Protein change: p.Ile254Met; replaces isoleucine 254 with methionine.
Molecular consequence: missense variant.
Genome position (GRCh38, 1-based): chr4:155,843,780, G>C on the plus strand (C>G on the coding strand, the complement: ASIC5 is on the minus strand). VCF-style: chr4-155843780-G-C. GRCh37 (hg19) VCF-style: chr4-156764932-G-C.
Other names: short protein forms I254M.
Identifiers: ClinVar variation 4978675 (VCV004978675.1).
Genomic context (GRCh38, chr4:155,843,780, plus strand): 5'-AGGTGACAACAAGCCTAACCCATCAAACTGTGGCACCTTCTTTGGTGAATGGATAACAAA[G>C]ATGATCCCAGCATCAACGAAACCAAGGGCTGGGTTATCAGTGAATGCCTCCTGAAACAAA-3'
Protein context (NP_059115.1, residues 244-264): PALGFVDAGI[Ile254Met]FVIHSPKKVP

ClinVar aggregate classification (germline): Likely benign (1 of 4 stars; one submission).

Conditions:
ASIC5-related disorder. Also called: ASIC5-related condition.

gnomAD v4.1: 161 of 1,613,656 alleles (0.01%); highest among the groups gnomAD compares: African/African-American, 0.18%; 1 homozygote.

Submission:

PreventionGenetics, part of Exact Sciences
Classification: Likely benign for ASIC5-related condition. Last evaluated: 2025-04-23. Review status: criteria provided, single submitter. Criteria: ACMG Guidelines, 2015. Collection method: clinical testing. Allele origin: germline.
Comment: This variant is classified as likely benign based on ACMG/AMP sequence variant interpretation guidelines (Richards et al. 2015 PMID: 25741868, with internal and published modifications).